The following is an entry in ClinVar:

ClinVar aggregate classification (germline): Uncertain significance (1 of 4 stars; one submission).

Conditions:
Hereditary pancreatitis (PCTT). Also called: Hereditary chronic pancreatitis; PRSS1-Related Hereditary Pancreatitis. Identifiers: Orphanet 676, MedGen C0238339, MONDO:0008185, OMIM 167800.

gnomAD v4.1: 3 of 1,614,134 alleles (0.00019%); highest among the groups gnomAD compares: Non-Finnish European, 0.00025%; no homozygotes.

Submission:

Ambry Genetics
Classification: Uncertain significance for Hereditary pancreatitis. Last evaluated: 2025-05-15. Review status: criteria provided, single submitter. Criteria: Ambry Variant Classification Scheme 2023. Collection method: clinical testing. Allele origin: germline.
Comment: The p.T199P variant (also known as c.595A>C), located in coding exon 6 of the CTRC gene, results from an A to C substitution at nucleotide position 595. The threonine at codon 199 is replaced by proline, an amino acid with highly similar properties. This amino acid position is conserved. In addition, the in silico prediction for this alteration is inconclusive. Since supporting evidence is limited at this time, the clinical significance of this alteration remains unclear.

NM_007272.3(CTRC):c.595A>C (p.Thr199Pro)

Gene: CTRC (chymotrypsin C; plus strand). Cytogenetic location: 1p36.21.
Variant type: single nucleotide variant.
Coding change: c.595A>C on transcript NM_007272.3 (MANE Select); coding-DNA position 595, A replaced by C.
Protein change: p.Thr199Pro; replaces threonine 199 with proline.
Molecular consequence: missense variant.
Genome position (GRCh38, 1-based): chr1:15,444,707, A>C. VCF-style: chr1-15444707-A-C. GRCh37 (hg19) VCF-style: chr1-15771202-A-C.
Other names: short protein forms T199P.
Identifiers: ClinVar variation 1750709 (VCV001750709.3), dbSNP rs751977111, ClinGen allele CA338567357.